The following is an entry in ClinVar:

ClinVar aggregate classification (germline): Likely benign (1 of 4 stars; one submission).

Submission:

CeGaT Center for Human Genetics Tuebingen
Classification: Likely benign. Last evaluated: 2025-11-01. Review status: criteria provided, single submitter. Criteria: CeGaT Center For Human Genetics Tuebingen Variant Classification Criteria Version 2. Collection method: clinical testing. Allele origin: germline. Affected: yes. Observed: 1 variant allele.
Comment: TMEM138: PM2:Supporting, BP4, BP7

NM_016464.5(TMEM138):c.377-227C>G

Gene: TMEM138 (transmembrane protein 138; plus strand). Cytogenetic location: 11q12.2.
Variant type: single nucleotide variant.
Coding change: c.377-227C>G on transcript NM_016464.5 (MANE Select); 227 bases into the intron before coding-DNA position 377, C replaced by G.
Molecular consequence: intron variant. On other transcripts: 3 prime UTR variant (1).
Genome position (GRCh38, 1-based): chr11:61,368,370, C>G. VCF-style: chr11-61368370-C-G. GRCh37 (hg19) VCF-style: chr11-61135842-C-G.
Other names: c.*214C>G (NM_001410999.1); c.376+372C>G (NM_001441181.1, NM_001410998.1, NM_001410997.1); c.300+2154C>G (NM_001441182.1); c.377-230C>G (NM_001441180.1); c.203-227C>G (NM_001330281.2).
Identifiers: ClinVar variation 4535102 (VCV004535102.6).